The following is an entry in ClinVar:

NM_003235.5(TG):c.3933G>A (p.Ala1311=)

Gene: TG (thyroglobulin; plus strand). Cytogenetic location: 8q24.22.
Variant type: single nucleotide variant.
Coding change: c.3933G>A on transcript NM_003235.5 (MANE Select); coding-DNA position 3933, G replaced by A.
Protein change: p.Ala1311=; no amino-acid change (alanine 1311 retained).
Molecular consequence: synonymous variant.
Genome position (GRCh38, 1-based): chr8:132,908,271, G>A. VCF-style: chr8-132908271-G-A. GRCh37 (hg19) VCF-style: chr8-133920516-G-A.
Identifiers: ClinVar variation 361952 (VCV000361952.10), dbSNP rs16904786, ClinGen allele CA4883952.

ClinVar aggregate classification (germline): Benign/Likely benign. Review status: criteria provided, multiple submitters, no conflicts (2 of 4 stars). 4 submissions from 4 submitters: Benign (2); Likely benign (2). Last evaluated 2026-05-11.

Conditions:
Iodotyrosyl coupling defect (TDH3). Also called: HYPOTHYROIDISM, CONGENITAL, DUE TO DYSHORMONOGENESIS, 3; THYROID HORMONOGENESIS, GENETIC DEFECT IN, 3. Identifiers: Orphanet 95716, MedGen C0342194, MONDO:0010135, OMIM 274700.

Allele frequency attached by ClinVar (database versions not stated): gnomAD exomes 0.00447 and 0.00908; TOPMed 0.03219; ESP Exome Variant Server 0.03375; 1000 Genomes Project 30x 0.03404; ExAC 0.01105; gnomAD 0.03224; 1000 Genomes Project 0.03215.
gnomAD v4.1: 11,305 of 1,613,774 alleles (0.7%); highest among the groups gnomAD compares: African/African-American, 9.5%; 362 homozygotes.

Submissions (4):

Women's Health and Genetics/Laboratory Corporation of America, LabCorp
Classification: Benign. Last evaluated: 2026-05-11. Review status: criteria provided, single submitter. Criteria: LabCorp Variant Classification Summary - May 2015. Collection method: clinical testing. Allele origin: germline.

Labcorp Genetics (formerly Invitae), Labcorp
Classification: Benign. Last evaluated: 2026-02-02. Review status: criteria provided, single submitter. Criteria: Invitae Variant Classification Sherloc (09022015). Collection method: clinical testing. Allele origin: germline.

Illumina Laboratory Services, Illumina
Classification: Likely benign for Iodotyrosyl coupling defect. Last evaluated: 2018-01-13. Review status: criteria provided, single submitter. Criteria: ICSL Variant Classification Criteria 13 December 2019. Collection method: clinical testing. Allele origin: germline.
Comment: This variant was observed in the ICSL laboratory as part of a predisposition screen in an ostensibly healthy population. It had not been previously curated by ICSL or reported in the Human Gene Mutation Database (HGMD: prior to June 1st, 2018), and was therefore a candidate for classification through an automated scoring system. Utilizing variant allele frequency, disease prevalence and penetrance estimates, and inheritance mode, an automated score was calculated to assess if this variant is too frequent to cause the disease. Based on the score and internal cut-off values, a variant classified as likely benign is not then subjected to further curation. The score for this variant resulted in a classification of likely benign for this disease.

Breakthrough Genomics
Classification: Likely benign. Review status: criteria provided, single submitter. Criteria: ACMG Guidelines, 2015. Collection method: not provided. Allele origin: germline. Inheritance: Autosomal recessive inheritance. Affected: yes.